The following is an entry in ClinVar:

NM_002693.3(POLG):c.1433+18G>A

Gene: POLG (DNA polymerase gamma, catalytic subunit; minus strand). Cytogenetic location: 15q26.1.
Variant type: single nucleotide variant.
Coding change: c.1433+18G>A on transcript NM_002693.3 (MANE Select); 18 bases into the intron after coding-DNA position 1433, G replaced by A.
Molecular consequence: intron variant.
Genome position (GRCh38, 1-based): chr15:89,327,149, C>T on the plus strand (G>A on the coding strand, the complement: POLG is on the minus strand). VCF-style: chr15-89327149-C-T. GRCh37 (hg19) VCF-style: chr15-89870380-C-T.
Other names: c.1433+18G>A (NM_001126131.2).
Identifiers: ClinVar variation 2036109 (VCV002036109.1), dbSNP rs2055533288, ClinGen allele CA2194557776.

ClinVar aggregate classification (germline): Uncertain significance (1 of 4 stars; one submission).

Conditions:
Progressive sclerosing poliodystrophy (MTDPS4A). Also called: Mitochondrial DNA Depletion Syndrome 4A; Alpers-Huttenlocher Syndrome (AHS); ALPERS PROGRESSIVE INFANTILE POLIODYSTROPHY; NEURONAL DEGENERATION OF CHILDHOOD WITH LIVER DISEASE, PROGRESSIVE; Alpers Syndrome; ALPERS DIFFUSE DEGENERATION OF CEREBRAL GRAY MATTER WITH HEPATIC CIRRHOSIS. Identifiers: Orphanet 726, MedGen C0205710, MONDO:0008758, OMIM 203700.

gnomAD v4.1: 1 of 1,614,226 alleles (0.000062%); highest among the groups gnomAD compares: Non-Finnish European, 0.000085%; no homozygotes.

Submission:

Labcorp Genetics (formerly Invitae), Labcorp
Classification: Uncertain significance for Progressive sclerosing poliodystrophy. Last evaluated: 2022-11-01. Review status: criteria provided, single submitter. Criteria: Invitae Variant Classification Sherloc (09022015). Collection method: clinical testing. Allele origin: germline.
Comment: This sequence change falls in intron 7 of the POLG gene. It does not directly change the encoded amino acid sequence of the POLG protein. This variant is not present in population databases (gnomAD no frequency). This variant has not been reported in the literature in individuals affected with POLG-related conditions. Algorithms developed to predict the effect of sequence changes on RNA splicing suggest that this variant may create or strengthen a splice site. In summary, the available evidence is currently insufficient to determine the role of this variant in disease. Therefore, it has been classified as a Variant of Uncertain Significance.